The following is an entry in ClinVar:

NM_001271.4(CHD2):c.4592+18G>A

Gene: CHD2 (chromodomain helicase DNA binding protein 2; plus strand). Cytogenetic location: 15q26.1.
Variant type: single nucleotide variant.
Coding change: c.4592+18G>A on transcript NM_001271.4 (MANE Select); 18 bases into the intron after coding-DNA position 4592, G replaced by A.
Molecular consequence: intron variant.
Genome position (GRCh38, 1-based): chr15:93,009,341, G>A. VCF-style: chr15-93009341-G-A. GRCh37 (hg19) VCF-style: chr15-93552571-G-A.
Identifiers: ClinVar variation 383091 (VCV000383091.11), dbSNP rs116022337, ClinGen allele CA7748509.

ClinVar aggregate classification (germline): Benign/Likely benign. Review status: criteria provided, multiple submitters, no conflicts (2 of 4 stars). 4 submissions from 4 submitters: Benign (2); Likely benign (2). Last evaluated 2026-01-26.

Conditions:
Developmental and epileptic encephalopathy 94 (DEE94). Also called: Epileptic encephalopathy, childhood-onset; CHD2-Related Neurodevelopmental Disorders. Identifiers: Orphanet 1942, Orphanet 2382, MedGen C3809278, MONDO:0014150, OMIM 615369.

Allele frequency attached by ClinVar (database versions not stated): gnomAD exomes 0.00041; ExAC 0.00051; ESP Exome Variant Server 0.00115; TOPMed 0.00149; gnomAD 0.00170 and 0.00174; 1000 Genomes Project 30x 0.00187; 1000 Genomes Project 0.00200.
gnomAD v4.1: 468 of 1,607,824 alleles (0.029%); highest among the groups gnomAD compares: African/African-American, 0.53%; 1 homozygote.

Submissions (4):

Labcorp Genetics (formerly Invitae), Labcorp
Classification: Benign for Developmental and epileptic encephalopathy 94. Last evaluated: 2026-01-26. Review status: criteria provided, single submitter. Criteria: Invitae Variant Classification Sherloc (09022015). Collection method: clinical testing. Allele origin: germline.

Blueprint Genetics
Classification: Likely benign. Last evaluated: 2024-11-21. Review status: criteria provided, single submitter. Criteria: ACMG Guidelines, 2015. Collection method: clinical testing. Allele origin: germline.

Center for Pediatric Genomic Medicine, Children's Mercy Hospital and Clinics
Classification: Likely benign. Last evaluated: 2017-08-11. Review status: criteria provided, single submitter. Criteria: ACMG Guidelines, 2015. Collection method: clinical testing. Allele origin: germline.

GeneDx
Classification: Benign. Last evaluated: 2016-02-22. Review status: criteria provided, single submitter. Criteria: GeneDx Variant Classification (06012015). Collection method: clinical testing. Allele origin: germline. Affected: yes.
Comment: This variant is considered likely benign or benign based on one or more of the following criteria: it is a conservative change, it occurs at a poorly conserved position in the protein, it is predicted to be benign by multiple in silico algorithms, and/or has population frequency not consistent with disease.